The following is an entry in ClinVar:

NM_014714.4(IFT140):c.3214C>T (p.Arg1072Ter)

Gene: IFT140 (intraflagellar transport 140; minus strand). Cytogenetic location: 16p13.3.
Variant type: single nucleotide variant.
Coding change: c.3214C>T on transcript NM_014714.4 (MANE Select); coding-DNA position 3214, C replaced by T.
Protein change: p.Arg1072Ter; replaces arginine 1072 with a stop codon.
Molecular consequence: nonsense.
Genome position (GRCh38, 1-based): chr16:1,523,884, G>A on the plus strand (C>T on the coding strand, the complement: IFT140 is on the minus strand). VCF-style: chr16-1523884-G-A. GRCh37 (hg19) VCF-style: chr16-1573885-G-A.
Other names: c.3214C>T (NM_014714.3); short protein forms R1072*.
Identifiers: ClinVar variation 1328335 (VCV001328335.13), dbSNP rs1432688490, ClinGen allele CA394225657.

ClinVar aggregate classification (germline): Pathogenic/Likely pathogenic. Review status: criteria provided, multiple submitters, no conflicts (2 of 4 stars). 8 submissions from 8 submitters: Pathogenic (4); Likely pathogenic (1). 3 of the submissions do not count toward it. Last evaluated 2025-08-27.

Conditions:
IFT140-related disorder. Also called: IFT140-related condition.
Saldino-Mainzer syndrome (SRTD9). Also called: CONORENAL SYNDROME; Renal dysplasia, retinal pigmentary dystrophy, cerebellar ataxia and skeletal dysplasia; SHORT-RIB THORACIC DYSPLASIA 9 WITHOUT POLYDACTYLY; short-rib thoracic dysplasia 9 with or without polydactyly. Identifiers: Orphanet 140969, MedGen C1849437, MONDO:0009964, OMIM 266920.
Retinal dystrophy. Also called: Inherited retinal dystrophy. Identifiers: Orphanet 71862, MedGen C0854723, MeSH D058499, MONDO:0019118, HP:0000556.
Retinitis pigmentosa 80 (RP80). Identifiers: MedGen C4540439, MONDO:0054708, OMIM 617781.
Cystic renal disease.
Renal cyst. Also called: Renal cysts; cystic kidneys; Cystic kidney disease. Identifiers: MedGen C3887499, MONDO:0002473, HP:0000107.

Allele frequency attached by ClinVar (database versions not stated): gnomAD 0.00001; gnomAD exomes 0.00001.
gnomAD v4.1: 8 of 1,613,366 alleles (0.0005%); highest among the groups gnomAD compares: African/African-American, 0.0027%; no homozygotes.

Submissions (8):

Genetics Laboratory, Great Ormond Street Hospital NHS Foundation Trust, North Thames Genomic Laboratory Hub
Classification: Pathogenic for Cystic renal disease. Last evaluated: 2025-08-27. Review status: criteria provided, single submitter. Criteria: ACGS Best Practice Guidelines for Variant Classification in Rare Disease 2024 v1.2. Collection method: clinical testing. Allele origin: germline. Affected: yes.
Comment: PS4_moderate, PM2_moderate, PVS1_very-strong

Victorian Clinical Genetics Services, Murdoch Childrens Research Institute
Classification: Pathogenic for Renal cyst. Last evaluated: 2025-08-19. Review status: criteria provided, single submitter. Criteria: ACMG Guidelines, 2015. Collection method: clinical testing. Allele origin: germline. Affected: yes.
Comment: This variant is classified as Pathogenic. Evidence in support of pathogenic classification: Variant is predicted to cause nonsense-mediated decay (NMD) and loss of protein (premature termination codon is located at least 54 nucleotides upstream of the final exon-exon junction); Variant is present in gnomAD <0.01 (v4: 8 heterozygote(s), 0 homozygote(s)); This variant has strong previous evidence of pathogenicity in unrelated individuals. This variant has been classified as likely pathogenic/pathogenic by multiple clinical laboratories in ClinVar. Additionally, it has been reported in the literature in multiple individuals with polycystic kidney disease (PMID: 39136524, 34890546, 39732359); Other NMD-predicted variants comparable to the one identified in this case have very strong previous evidence for pathogenicity (DECIPHER). These variants have been reported in families with later onset autosomal dominant polycystic kidney disease (PMID: 34890546) and autosomal recessive IFT140-related conditions (PMIDs: 22503633, 26968735). Additional information: This variant is heterozygous; This gene is associated with both recessive and dominant disease. Retinitis pigmentosa 80 (MIM#617781) and short-rib thoracic dysplasia 9 with or without polydactyly (MIM#266920) are inherited in an autosomal recessive manner, while cystic kidney disease (MONDO:0002473), IFT140-related, is inherited in an autosomal dominant manner (OMIM, PMID: 34890546); Loss of function is a known mechanism of disease in this gene and is associated with retinitis pigmentosa 80 (MIM#617781), short-rib thoracic dysplasia 9 with or without polydactyly (MIM#266920) and cystic kidney disease (MONDO:0002473), IFT140-related (PMID: 34890546); The dominant condition associated with this gene may have incomplete penetrance. Parents of children with short-rib thoracic dysplasia 9 with or without polydactyly, who carry a single pathogenic variant that has also previously been associated with the dominant cystic kidney disease phenotype, have been reported as unaffected (PMID: 34890546). However, these parents weren't specifically assessed for cystic kidney disease; Inheritance information for this variant is not currently available in this individual.

Labcorp Genetics (formerly Invitae), Labcorp
Classification: Pathogenic for Saldino-Mainzer syndrome. Last evaluated: 2025-04-16. Review status: criteria provided, single submitter. Criteria: Invitae Variant Classification Sherloc (09022015). Collection method: clinical testing. Allele origin: germline.
Comment: This sequence change creates a premature translational stop signal (p.Arg1072*) in the IFT140 gene. It is expected to result in an absent or disrupted protein product. Loss-of-function variants in IFT140 are known to be pathogenic (PMID: 22503633, 23418020, 24009529, 26216056). The frequency data for this variant in the population databases is considered unreliable, as metrics indicate poor data quality at this position in the gnomAD database. This premature translational stop signal has been observed in individual(s) with kidney disease (PMID: 34890546, 35140360). ClinVar contains an entry for this variant (Variation ID: 1328335). For these reasons, this variant has been classified as Pathogenic.

Dept Of Ophthalmology, Nagoya University
Classification: Pathogenic for Retinal dystrophy. Last evaluated: 2023-10-01. Review status: criteria provided, single submitter. Criteria: Submitter's publication. Collection method: research. Allele origin: germline. Affected: yes.

Fulgent Genetics
Classification: Likely pathogenic for Saldino-Mainzer syndrome; Retinitis pigmentosa 80. Last evaluated: 2022-04-19. Review status: criteria provided, single submitter. Criteria: ACMG Guidelines, 2015. Collection method: clinical testing. Allele origin: unknown.

PreventionGenetics, part of Exact Sciences
Classification: Pathogenic for IFT140-related condition. Last evaluated: 2024-06-03. Review status: no assertion criteria provided. Collection method: clinical testing. Allele origin: germline. Not counted in ClinVar's aggregate classification.
Comment: The IFT140 c.3214C>T variant is predicted to result in premature protein termination (p.Arg1072*). This variant was reported in the 100K Genomes Cystic Kidney Disease Cohort in an individual with multiple cysts and chronic kidney disease that also had an affected mother (Supp. Table S3, UK5 in Senum SR et al 2021. PubMed ID: 34890546). This variant was reported with a second IFT140 variant in a patient with stage 2 chronic kidney disease and right duplication of renal pelvis (Table 2. Family 16 in Sakakibara N et al 2022. PubMed ID: 35140360). This variant is reported in 0.0062% of alleles in individuals of African descent in gnomAD. Nonsense variants in IFT140 are expected to be pathogenic. This variant is interpreted as pathogenic for both autosomal recessive and autosomal dominant IFT140-related disorders.

Clinical Genetics DNA and cytogenetics Diagnostics Lab, Erasmus MC, Erasmus Medical Center
Classification: Pathogenic. Review status: no assertion criteria provided. Collection method: clinical testing. Allele origin: germline. Affected: yes. Study: VKGL Data-share Consensus. Not counted in ClinVar's aggregate classification.

Laboratory of Diagnostic Genome Analysis, Leiden University Medical Center (LUMC)
Classification: Likely pathogenic. Review status: no assertion criteria provided. Collection method: clinical testing. Allele origin: germline. Affected: yes. Study: VKGL Data-share Consensus. Not counted in ClinVar's aggregate classification.

Literature cited by the submitters: PubMed 22503633 (cited by Victorian Clinical Genetics Services, Murdoch Childrens Research Institute and Labcorp Genetics (formerly Invitae), Labcorp); PubMed 39732359 (cited by Victorian Clinical Genetics Services, Murdoch Childrens Research Institute); PubMed 39136524 (cited by Victorian Clinical Genetics Services, Murdoch Childrens Research Institute); PubMed 34890546 (cited by Victorian Clinical Genetics Services, Murdoch Childrens Research Institute and Labcorp Genetics (formerly Invitae), Labcorp); PubMed 26968735 (cited by Victorian Clinical Genetics Services, Murdoch Childrens Research Institute); PubMed 23418020 (cited by Labcorp Genetics (formerly Invitae), Labcorp); PubMed 24009529 (cited by Labcorp Genetics (formerly Invitae), Labcorp); PubMed 26216056 (cited by Labcorp Genetics (formerly Invitae), Labcorp); PubMed 35140360 (cited by Labcorp Genetics (formerly Invitae), Labcorp).